The following is an entry in ClinVar:

ClinVar aggregate classification (germline): Conflicting classifications of pathogenicity. Review status: criteria provided, conflicting classifications (1 of 4 stars). 7 submissions from 7 submitters: Uncertain significance (5); Likely benign (2). Last evaluated 2025-09-03.

Conditions:
Ataxia-telangiectasia syndrome (AT). Also called: Ataxia telangiectasia (A-T); Ataxia-telangiectasia, complementation group E; LOUIS-BAR SYNDROME; Cerebello-oculocutaneous telangiectasia; Immunodeficiency with ataxia telangiectasia; Ataxia-telangiectasia, complementation group D. Identifiers: Orphanet 100, MedGen C0004135, MONDO:0008840, OMIM 208900.
Familial cancer of breast. Also called: Hereditary breast cancer; hereditary breast carcinoma; BREAST CANCER, FAMILIAL. Identifiers: Orphanet 227535, MedGen C0346153, MONDO:0016419, OMIM 114480. Disease mechanism: loss of function.
Hereditary cancer-predisposing syndrome. Also called: Hereditary Cancer Syndrome; Neoplastic Syndromes, Hereditary; Tumor predisposition; Hereditary neoplastic syndrome. Identifiers: Orphanet 140162, MedGen C0027672, MeSH D009386, MONDO:0015356.

gnomAD v4.1: 3 of 1,613,336 alleles (0.00019%); highest among the groups gnomAD compares: Non-Finnish European, 0.00025%; no homozygotes.

Submissions (7):

Color Diagnostics, LLC DBA Color Health
Classification: Likely benign for Hereditary cancer-predisposing syndrome. Last evaluated: 2025-09-03. Review status: criteria provided, single submitter. Criteria: ACMG Guidelines, 2015. Collection method: clinical testing. Allele origin: germline.

Labcorp Genetics (formerly Invitae), Labcorp
Classification: Uncertain significance for Ataxia-telangiectasia syndrome. Last evaluated: 2025-09-03. Review status: criteria provided, single submitter. Criteria: Invitae Variant Classification Sherloc (09022015). Collection method: clinical testing. Allele origin: germline.
Comment: This sequence change replaces threonine, which is neutral and polar, with isoleucine, which is neutral and non-polar, at codon 1819 of the ATM protein (p.Thr1819Ile). This variant is present in population databases (rs760060843, gnomAD 0.0009%). This missense change has been observed in individual(s) with breast and/or ovarian cancer (PMID: 27878467). ClinVar contains an entry for this variant (Variation ID: 231669). Invitae Evidence Modeling of protein sequence and biophysical properties (such as structural, functional, and spatial information, amino acid conservation, physicochemical variation, residue mobility, and thermodynamic stability) indicates that this missense variant is not expected to disrupt ATM protein function with a negative predictive value of 95%. In summary, the available evidence is currently insufficient to determine the role of this variant in disease. Therefore, it has been classified as a Variant of Uncertain Significance.

GeneDx
Classification: Uncertain significance. Last evaluated: 2025-05-20. Review status: criteria provided, single submitter. Criteria: GeneDx Variant Classification Process June 2021. Collection method: clinical testing. Allele origin: germline. Affected: yes.
Comment: Reported in a patient with a personal and/or family history of cancer in published literature; however, no additional information was provided (PMID: 27878467); Not observed at significant frequency in large population cohorts (gnomAD); In silico analysis suggests that this missense variant does not alter protein structure/function; This variant is associated with the following publications: (PMID: 27878467)

Quest Diagnostics Nichols Institute San Juan Capistrano
Classification: Uncertain significance. Last evaluated: 2025-01-21. Review status: criteria provided, single submitter. Criteria: Quest Diagnostics criteria. Collection method: clinical testing. Allele origin: unknown.

Fulgent Genetics
Classification: Uncertain significance for Familial cancer of breast; Ataxia-telangiectasia syndrome. Last evaluated: 2024-02-02. Review status: criteria provided, single submitter. Criteria: ACMG Guidelines, 2015. Collection method: clinical testing. Allele origin: germline.

Genetic Services Laboratory, University of Chicago
Classification: Uncertain significance. Last evaluated: 2018-08-08. Review status: criteria provided, single submitter. Criteria: ACMG Guidelines, 2015. Collection method: clinical testing. Allele origin: germline. Affected: no.

Ambry Genetics
Classification: Likely benign for Hereditary cancer-predisposing syndrome. Last evaluated: 2018-01-12. Review status: criteria provided, single submitter. Criteria: Ambry Variant Classification Scheme 2023. Collection method: clinical testing. Allele origin: germline.

Literature cited by the submitters: PubMed 27878467 (cited by Labcorp Genetics (formerly Invitae), Labcorp).

NM_000051.4(ATM):c.5456C>T (p.Thr1819Ile)

Gene: ATM (ATM serine/threonine kinase; plus strand). Cytogenetic location: 11q22.3.
Variant type: single nucleotide variant.
Coding change: c.5456C>T on transcript NM_000051.4 (MANE Select); coding-DNA position 5456, C replaced by T.
Protein change: p.Thr1819Ile; replaces threonine 1819 with isoleucine.
Molecular consequence: missense variant.
Genome position (GRCh38, 1-based): chr11:108,302,989, C>T. VCF-style: chr11-108302989-C-T. GRCh37 (hg19) VCF-style: chr11-108173716-C-T.
Other names: c.5456C>T, p.Thr1819Ile (NM_001351834.2); short protein forms T1819I.
Identifiers: ClinVar variation 231669 (VCV000231669.25), dbSNP rs760060843, ClinGen allele CA6265701.
Genomic context (GRCh38, chr11:108,302,989, plus strand): 5'-GTGAAAATCATGACATTTGGATAAAGACACTGACTTGTGCTTTTTTGGACAGTGGAGGCA[C>T]AAAATGTGAAATTCTTCAATTATTAAAGCCAATGTGTGAAGTAAGAAGATTAATTAGTCT-3'
Protein context (NP_000042.3, residues 1809-1829): LTCAFLDSGG[Thr1819Ile]KCEILQLLKP